The following is an entry in ClinVar:

ClinVar aggregate classification (germline): Uncertain significance (1 of 4 stars; one submission).

Allele frequency attached by ClinVar (database versions not stated): gnomAD 0.00001; gnomAD exomes 0.00001; TOPMed 0.00002.
gnomAD v4.1: 18 of 1,550,352 alleles (0.0012%); highest among the groups gnomAD compares: Admixed American, 0.0078%; no homozygotes.

Submission:

Labcorp Genetics (formerly Invitae), Labcorp
Classification: Uncertain significance. Last evaluated: 2022-03-10. Review status: criteria provided, single submitter. Criteria: Invitae Variant Classification Sherloc (09022015). Collection method: clinical testing. Allele origin: germline.
Comment: In summary, the available evidence is currently insufficient to determine the role of this variant in disease. Therefore, it has been classified as a Variant of Uncertain Significance. Algorithms developed to predict the effect of missense changes on protein structure and function (SIFT, PolyPhen-2, Align-GVGD) all suggest that this variant is likely to be tolerated. This variant has not been reported in the literature in individuals affected with OTOG-related conditions. This variant is present in population databases (no rsID available, gnomAD 0.01%). This sequence change replaces arginine, which is basic and polar, with glutamine, which is neutral and polar, at codon 355 of the OTOG protein (p.Arg355Gln).

NM_001292063.2(OTOG):c.1028G>A (p.Arg343Gln)

Gene: OTOG (otogelin; plus strand). Cytogenetic location: 11p15.1.
Variant type: single nucleotide variant.
Coding change: c.1028G>A on transcript NM_001292063.2 (MANE Select); coding-DNA position 1028, G replaced by A.
Protein change: p.Arg343Gln; replaces arginine 343 with glutamine.
Molecular consequence: missense variant.
Genome position (GRCh38, 1-based): chr11:17,558,569, G>A. VCF-style: chr11-17558569-G-A. GRCh37 (hg19) VCF-style: chr11-17580116-G-A.
Other names: c.1064G>A, p.Arg355Gln (NM_001277269.2); short protein forms R355Q, R343Q.
Identifiers: ClinVar variation 2064417 (VCV002064417.4), dbSNP rs895292129, ClinGen allele CA218495351.
Genomic context (GRCh38, chr11:17,558,569, plus strand): 5'-TAGCCCTGGCTCCTGGTCCCTTGCTCTAGGGCGTGTACGAGCAGTGTGAGGCTCTACTGC[G>A]GCCCCCCTTTGACGCCTGCCACGCCTACGTCAGCCCTCTGCCCTTCACAGCCAGTTGTAC-3'
Protein context (NP_001278992.1, residues 333-353): GVYEQCEALL[Arg343Gln]PPFDACHAYV